The following is an entry in ClinVar:

NM_001393769.1(MED12L):c.1418G>A (p.Arg473Gln)

Gene: MED12L (mediator complex subunit 12L; plus strand). Cytogenetic location: 3q25.1.
Variant type: single nucleotide variant.
Coding change: c.1418G>A on transcript NM_001393769.1 (MANE Select); coding-DNA position 1418, G replaced by A.
Protein change: p.Arg473Gln; replaces arginine 473 with glutamine.
Molecular consequence: missense variant.
Genome position (GRCh38, 1-based): chr3:151,165,906, G>A. VCF-style: chr3-151165906-G-A. GRCh37 (hg19) VCF-style: chr3-150883693-G-A.
Other names: c.1418G>A, p.Arg473Gln (NM_053002.6); short protein forms R473Q.
Identifiers: ClinVar variation 4991040 (VCV004991040.1).

ClinVar aggregate classification (germline): Uncertain significance (1 of 4 stars; one submission).

Conditions:
MED12L-related disorder. Also called: MED12L-related condition.

gnomAD v4.1: 1 of 1,613,918 alleles (0.000062%); highest among the groups gnomAD compares: Non-Finnish European, 0.000085%; no homozygotes.

Submission:

PreventionGenetics, part of Exact Sciences
Classification: Uncertain significance for MED12L-related condition. Last evaluated: 2026-04-20. Review status: criteria provided, single submitter. Criteria: ACMG Guidelines, 2015. Collection method: clinical testing. Allele origin: germline.
Comment: The MED12L c.1418G>A variant is predicted to result in the amino acid substitution p.Arg473Gln. To our knowledge, this variant has not been reported in the literature. This variant has been reported in 1 heterozygous individual within the ‘remaining individuals’ subpopulation in gnomAD. At this time, the clinical significance of this variant is uncertain due to the absence of conclusive functional and genetic evidence.